The following is an entry in ClinVar:

ClinVar aggregate classification (germline): Uncertain significance (1 of 4 stars; one submission).

Submission:

GeneDx
Classification: Uncertain significance. Last evaluated: 2019-11-17. Review status: criteria provided, single submitter. Criteria: GeneDx Variant Classification Process June 2021. Collection method: clinical testing. Allele origin: germline. Affected: yes.
Comment: Not observed in large population cohorts (Lek et al., 2016); In silico analysis, which includes protein predictors and evolutionary conservation, supports a deleterious effect; Has not been previously published as pathogenic or benign to our knowledge

NM_001109878.2(TBX22):c.20C>A (p.Ala7Glu)

Gene: TBX22 (T-box transcription factor 22). Cytogenetic location: Xq21.1.
Variant type: single nucleotide variant.
Coding change: c.20C>A on transcript NM_001109878.2 (MANE Select); coding-DNA position 20, C replaced by A.
Protein change: p.Ala7Glu; replaces alanine 7 with glutamic acid.
Molecular consequence: missense variant. On other transcripts: 5 prime UTR variant (1).
Genome position (GRCh38, 1-based): chrX:80,022,289, C>A. VCF-style: chrX-80022289-C-A. GRCh37 (hg19) VCF-style: chrX-79277788-C-A.
Other names: c.-337C>A (NM_001109879.2); c.20C>A, p.Ala7Glu (NM_016954.2); short protein forms A7E.
Identifiers: ClinVar variation 1310069 (VCV001310069.2), dbSNP rs2147587525, ClinGen allele CA413739181.
Genomic context (GRCh38, chrX:80,022,289, plus strand): 5'-TTGAAACTTTGCTGCAAAGAATCCCTTCACCCCCTCCAGGGATGGCTCTGAGCTCTCGGG[C>A]GCGTGCCTTCTCCGTGGAAGCCTTGGTGGGGAGACCCAGCAAAAGAAAACTCCAAGACCC-3'
Protein context (NP_001103348.1, residues 1-17): MALSSR[Ala7Glu]RAFSVEALVG